The following is an entry in ClinVar:

ClinVar aggregate classification (germline): Likely benign. Review status: criteria provided, multiple submitters, no conflicts (2 of 4 stars). 2 submissions from 2 submitters: Likely benign (2). Last evaluated 2025-01-28.

Conditions:
Hereditary nonpolyposis colorectal neoplasms. Identifiers: MedGen C0009405, MeSH D003123.
Lynch syndrome 4 (LYNCH4). Also called: Hereditary non-polyposis colorectal cancer, type 4; Colorectal cancer, hereditary nonpolyposis, type 4. Identifiers: Orphanet 144, MedGen C1838333, MONDO:0013699, OMIM 614337. Disease mechanism: loss of function.

Submissions (2):

Myriad Genetics, Inc.
Classification: Likely benign for Lynch syndrome 4. Last evaluated: 2025-01-28. Review status: criteria provided, single submitter. Criteria: Myriad Autosomal Dominant, Autosomal Recessive and X-Linked Classification Criteria (2023). Collection method: clinical testing. Allele origin: unknown.
Comment: This variant is considered likely benign. This variant is intronic and is not expected to impact mRNA splicing.

Labcorp Genetics (formerly Invitae), Labcorp
Classification: Likely benign for Hereditary nonpolyposis colorectal neoplasms. Last evaluated: 2022-11-22. Review status: criteria provided, single submitter. Criteria: Invitae Variant Classification Sherloc (09022015). Collection method: clinical testing. Allele origin: germline.

NM_000535.7(PMS2):c.705+7A>G

Gene: PMS2 (PMS1 homolog 2, mismatch repair system component; minus strand). Cytogenetic location: 7p22.1.
Variant type: single nucleotide variant.
Coding change: c.705+7A>G on transcript NM_000535.7 (MANE Select); 7 bases into the intron after coding-DNA position 705, A replaced by G.
Molecular consequence: intron variant.
Genome position (GRCh38, 1-based): chr7:5,999,101, T>C on the plus strand (A>G on the coding strand, the complement: PMS2 is on the minus strand). VCF-style: chr7-5999101-T-C. GRCh37 (hg19) VCF-style: chr7-6038732-T-C.
Other names: c.387+7A>G (NM_001322008.2, NM_001406902.1, NM_001406883.1 and 4 more transcripts); c.396+7A>G (NM_001406881.1, NM_001406879.1, NM_001322015.2 and 6 more transcripts); c.300+7A>G (NM_001406895.1, NM_001322010.2, NM_001322004.2 and 19 more transcripts); c.132+3352A>G (NM_001406911.1); c.192+115A>G (NM_001406904.1, NM_001406905.1); c.133-1678A>G (NM_001322013.2, NM_001406909.1); c.-229+7A>G (NM_001322012.2, NM_001322011.2); c.369+7A>G (NM_001406885.1); and 6 more.
Identifiers: ClinVar variation 2905340 (VCV002905340.4), dbSNP rs2128798872, ClinGen allele CA2713825597.